The following is an entry in ClinVar:

NM_133433.4(NIPBL):c.6995C>T (p.Pro2332Leu)

Gene: NIPBL (NIPBL cohesin loading factor; plus strand). Cytogenetic location: 5p13.2.
Variant type: single nucleotide variant.
Coding change: c.6995C>T on transcript NM_133433.4 (MANE Select); coding-DNA position 6995, C replaced by T.
Protein change: p.Pro2332Leu; replaces proline 2332 with leucine.
Molecular consequence: missense variant.
Genome position (GRCh38, 1-based): chr5:37,051,819, C>T. VCF-style: chr5-37051819-C-T. GRCh37 (hg19) VCF-style: chr5-37051921-C-T.
Other names: c.6995C>T, p.Pro2332Leu (NM_001438586.1, NM_015384.5); short protein forms P2332L.
Identifiers: ClinVar variation 4537374 (VCV004537374.3).

ClinVar aggregate classification (germline): Uncertain significance. Review status: criteria provided, multiple submitters, no conflicts (2 of 4 stars). 2 submissions from 2 submitters: Uncertain significance (2). Last evaluated 2025-11-06.

Conditions:
Cornelia de Lange syndrome 1 (CDLS1). Also called: TYPUS DEGENERATIVUS AMSTELODAMENSIS; Brachmann de Lange syndrome; NIPBL-Related Cornelia de Lange Syndrome. Identifiers: Orphanet 199, MedGen C4551851, MONDO:0007387, OMIM 122470.

Submissions (2):

Dasa
Classification: Uncertain significance. Last evaluated: 2025-11-06. Review status: criteria provided, single submitter. Criteria: DASA Assertion Criteria. Collection method: clinical testing. Allele origin: germline.
Comment: NM_133433.4(NIPBL):c.6995C>T (p.Pro2332Leu) is a missense variant that results in the substitution of proline with leucine. This variant is absent from population databases. Computational prediction algorithms are consistent with a deleterious effect. The currently available literature and clinical evidence are not sufficient to establish a definitive association between this variant and the reported condition. Therefore, this variant is classified as a variant of uncertain significance.

Genetics Department, Catlab
Classification: Uncertain significance for Cornelia de Lange syndrome 1. Last evaluated: 2025-09-25. Review status: criteria provided, single submitter. Criteria: ACMG Guidelines, 2015. Collection method: clinical testing. Allele origin: germline. Affected: yes. Observed: 1 variant allele.
Comment: The c.6995C>T variant is absent from gnomAD v4.1 (PM2_moderate) and has a REVEL score of 0.678 (PP3_supporting). The missense z-score assigned to the NIPBL gene is 6.7 (PP2_supporting). With all the available evidence, the variant is classified as of uncertain significance.